The following is an entry in ClinVar:

NM_002227.4(JAK1):c.3398A>G (p.Glu1133Gly)

Gene: JAK1 (Janus kinase 1; minus strand). Cytogenetic location: 1p31.3.
Variant type: single nucleotide variant.
Coding change: c.3398A>G on transcript NM_002227.4 (MANE Select); coding-DNA position 3398, A replaced by G.
Protein change: p.Glu1133Gly; replaces glutamic acid 1133 with glycine.
Molecular consequence: missense variant.
Genome position (GRCh38, 1-based): chr1:64,834,629, T>C on the plus strand (A>G on the coding strand, the complement: JAK1 is on the minus strand). VCF-style: chr1-64834629-T-C. GRCh37 (hg19) VCF-style: chr1-65300312-T-C.
Other names: c.3398A>G, p.Glu1133Gly (NM_001321855.2, NM_001321856.2, NM_001320923.2 and 3 more transcripts); c.3395A>G, p.Glu1132Gly (NM_001321857.2); short protein forms E1132G, E1133G.
Identifiers: ClinVar variation 1389319 (VCV001389319.6), dbSNP rs1295192654, ClinGen allele CA340660003.

ClinVar aggregate classification (germline): Uncertain significance (1 of 4 stars; one submission).

Allele frequency attached by ClinVar (database versions not stated): gnomAD exomes below 0.00001.
gnomAD v4.1: 1 of 1,611,886 alleles (0.000062%); highest among the groups gnomAD compares: Admixed American, 0.0017%; no homozygotes.

Submission:

Labcorp Genetics (formerly Invitae), Labcorp
Classification: Uncertain significance. Last evaluated: 2025-06-01. Review status: criteria provided, single submitter. Criteria: Invitae Variant Classification Sherloc (09022015). Collection method: clinical testing. Allele origin: germline.
Comment: This sequence change replaces glutamic acid, which is acidic and polar, with glycine, which is neutral and non-polar, at codon 1133 of the JAK1 protein (p.Glu1133Gly). This variant is present in population databases (no rsID available, gnomAD 0.003%). This variant has not been reported in the literature in individuals affected with JAK1-related conditions. ClinVar contains an entry for this variant (Variation ID: 1389319). Invitae Evidence Modeling of protein sequence and biophysical properties (such as structural, functional, and spatial information, amino acid conservation, physicochemical variation, residue mobility, and thermodynamic stability) indicates that this missense variant is not expected to disrupt JAK1 protein function with a negative predictive value of 80%. In summary, the available evidence is currently insufficient to determine the role of this variant in disease. Therefore, it has been classified as a Variant of Uncertain Significance.